The following is an entry in ClinVar:

ClinVar aggregate classification (germline): Uncertain significance. Review status: criteria provided, multiple submitters, no conflicts (2 of 4 stars). 3 submissions from 3 submitters: Uncertain significance (3). Last evaluated 2026-04-06.

Conditions:
Inborn genetic diseases. Identifiers: MedGen C0950123, MeSH D030342.
UNC80-related disorder. Also called: UNC80-related condition.

Allele frequency attached by ClinVar (database versions not stated): gnomAD exomes below 0.00001; gnomAD 0.00001; TOPMed 0.00002.
gnomAD v4.1: 6 of 1,551,626 alleles (0.00039%); highest among the groups gnomAD compares: East Asian, 0.0024%; no homozygotes.

Submissions (3):

PreventionGenetics, part of Exact Sciences
Classification: Uncertain significance for UNC80-related condition. Last evaluated: 2026-04-06. Review status: criteria provided, single submitter. Criteria: ACMG Guidelines, 2015. Collection method: clinical testing. Allele origin: germline.
Comment: The UNC80 c.7869G>C variant is predicted to result in the amino acid substitution p.Gln2623His. To our knowledge, this variant has not been reported in the literature. This variant is reported in 0.0% of alleles in individuals of African descent in gnomAD. At this time, the clinical significance of this variant is uncertain due to the absence of conclusive functional and genetic evidence.

Ambry Genetics
Classification: Uncertain significance for Inborn genetic diseases. Last evaluated: 2025-02-07. Review status: criteria provided, single submitter. Criteria: Ambry Variant Classification Scheme 2023. Collection method: clinical testing. Allele origin: germline.

Labcorp Genetics (formerly Invitae), Labcorp
Classification: Uncertain significance. Last evaluated: 2022-09-16. Review status: criteria provided, single submitter. Criteria: Invitae Variant Classification Sherloc (09022015). Collection method: clinical testing. Allele origin: germline.
Comment: This sequence change replaces glutamine, which is neutral and polar, with histidine, which is basic and polar, at codon 2623 of the UNC80 protein (p.Gln2623His). This variant is present in population databases (rs375090737, gnomAD no frequency). This variant has not been reported in the literature in individuals affected with UNC80-related conditions. ClinVar contains an entry for this variant (Variation ID: 1365971). Advanced modeling of protein sequence and biophysical properties (such as structural, functional, and spatial information, amino acid conservation, physicochemical variation, residue mobility, and thermodynamic stability) performed at Invitae indicates that this missense variant is not expected to disrupt UNC80 protein function. In summary, the available evidence is currently insufficient to determine the role of this variant in disease. Therefore, it has been classified as a Variant of Uncertain Significance.

NM_001371986.1(UNC80):c.8067G>C (p.Gln2689His)

Gene: UNC80 (unc-80 subunit of NALCN channel complex; plus strand). Cytogenetic location: 2q34.
Variant type: single nucleotide variant.
Coding change: c.8067G>C on transcript NM_001371986.1 (MANE Select); coding-DNA position 8067, G replaced by C.
Protein change: p.Gln2689His; replaces glutamine 2689 with histidine.
Molecular consequence: missense variant.
Genome position (GRCh38, 1-based): chr2:209,969,828, G>C. VCF-style: chr2-209969828-G-C. GRCh37 (hg19) VCF-style: chr2-210834552-G-C.
Other names: c.7869G>C, p.Gln2623His (NM_032504.2); c.7854G>C, p.Gln2618His (NM_182587.4); c.7869G>C (NM_032504.1); short protein forms Q2618H, Q2623H, Q2689H.
Identifiers: ClinVar variation 1365971 (VCV001365971.6), dbSNP rs375090737, ClinGen allele CA65045460.
Genomic context (GRCh38, chr2:209,969,828, plus strand): 5'-GCGACAGGTTGAGTGGGAGCCTGCCAGCAATTTGATTGAAGGGGTTTGTTTGACACTTCA[G>C]AGGCAGCCAATCATATCCTTCCTGCCTCACCTTAGGTCACTGATCAATGTCTGTGTCAAT-3'
Protein context (NP_001358915.1, residues 2679-2699): NLIEGVCLTL[Gln2689His]RQPIISFLPH